The following is an entry in ClinVar:

ClinVar aggregate classification (germline): Uncertain significance (1 of 4 stars; one submission).

Allele frequency attached by ClinVar (database versions not stated): TOPMed below 0.00001; ExAC 0.00001; gnomAD exomes below 0.00001; gnomAD 0.00001.
gnomAD v4.1: 3 of 1,613,794 alleles (0.00019%); highest among the groups gnomAD compares: African/African-American, 0.004%; no homozygotes.

Submission:

GeneDx
Classification: Uncertain significance. Last evaluated: 2022-05-13. Review status: criteria provided, single submitter. Criteria: GeneDx Variant Classification Process June 2021. Collection method: clinical testing. Allele origin: germline. Affected: yes.
Comment: In silico analysis supports that this missense variant does not alter protein structure/function; Has not been previously published as pathogenic or benign to our knowledge

NM_001273.5(CHD4):c.4902G>T (p.Glu1634Asp)

Genes: CHD4 (chromodomain helicase DNA binding protein 4; minus strand), CHD4-AS1 (CHD4 antisense RNA 1; plus strand). Cytogenetic location: 12p13.31.
Variant type: single nucleotide variant.
Coding change: c.4902G>T on transcript NM_001273.5 (MANE Select); coding-DNA position 4902, G replaced by T.
Protein change: p.Glu1634Asp; replaces glutamic acid 1634 with aspartic acid.
Molecular consequence: missense variant.
Genome position (GRCh38, 1-based): chr12:6,581,051, C>A on the plus strand (G>T on the coding strand, the complement: CHD4 is on the minus strand). VCF-style: chr12-6581051-C-A. GRCh37 (hg19) VCF-style: chr12-6690217-C-A.
Other names: c.4881G>T, p.Glu1627Asp (NM_001297553.2); c.4863G>T, p.Glu1621Asp (NM_001363606.2); short protein forms E1634D, E1627D, E1621D.
Identifiers: ClinVar variation 382210 (VCV000382210.5), dbSNP rs774243580, ClinGen allele CA6411405.